The following is an entry in ClinVar:

ClinVar aggregate classification (germline): Uncertain significance (1 of 4 stars; one submission).

Conditions:
Familial acute necrotizing encephalopathy (IIAE3). Also called: ENCEPHALOPATHY, ACUTE, INFECTION-INDUCED, SUSCEPTIBILITY TO, 3; Susceptibility to Acute Necrotizing Encephalopathy 1. Identifiers: Orphanet 88619, MedGen C2675556, MONDO:0011953, OMIM 608033.

Submission:

Labcorp Genetics (formerly Invitae), Labcorp
Classification: Uncertain significance for Familial acute necrotizing encephalopathy. Last evaluated: 2020-11-16. Review status: criteria provided, single submitter. Criteria: Invitae Variant Classification Sherloc (09022015). Collection method: clinical testing. Allele origin: germline.
Comment: This variant is not present in population databases (ExAC no frequency). This sequence change replaces lysine with glutamic acid at codon 2338 of the RANBP2 protein (p.Lys2338Glu). The lysine residue is highly conserved and there is a small physicochemical difference between lysine and glutamic acid. This variant has not been reported in the literature in individuals with RANBP2-related conditions. In summary, the available evidence is currently insufficient to determine the role of this variant in disease. Therefore, it has been classified as a Variant of Uncertain Significance. Algorithms developed to predict the effect of missense changes on protein structure and function (SIFT, PolyPhen-2, Align-GVGD) all suggest that this variant is likely to be disruptive, but these predictions have not been confirmed by published functional studies and their clinical significance is uncertain.

NM_006267.5(RANBP2):c.7012A>G (p.Lys2338Glu)

Gene: RANBP2 (RAN binding protein 2; plus strand). Cytogenetic location: 2q13.
Variant type: single nucleotide variant.
Coding change: c.7012A>G on transcript NM_006267.5 (MANE Select); coding-DNA position 7012, A replaced by G.
Protein change: p.Lys2338Glu; replaces lysine 2338 with glutamic acid.
Molecular consequence: missense variant.
Genome position (GRCh38, 1-based): chr2:108,767,551, A>G. VCF-style: chr2-108767551-A-G. GRCh37 (hg19) VCF-style: chr2-109384007-A-G.
Other names: short protein forms K2338E.
Identifiers: ClinVar variation 1407015 (VCV001407015.9), dbSNP rs2693104, ClinGen allele CA53457331.